The following is an entry in ClinVar:

ClinVar aggregate classification (germline): Uncertain significance (1 of 4 stars; one submission).

gnomAD v4.1: 1 of 1,609,018 alleles (0.000062%); highest among the groups gnomAD compares: Non-Finnish European, 0.000085%; no homozygotes.

Submission:

Ambry Genetics
Classification: Uncertain significance. Last evaluated: 2025-12-02. Review status: criteria provided, single submitter. Criteria: Ambry Variant Classification Scheme 2023. Collection method: clinical testing. Allele origin: germline.
Comment: The c.1153A>C (p.N385H) alteration is located in exon 8 (coding exon 7) of the AZI2 gene. This alteration results from a A to C substitution at nucleotide position 1153, causing the asparagine (N) at amino acid position 385 to be replaced by a histidine (H). Based on data from gnomAD, the C allele has an overall frequency of <0.001% (1/249202) total alleles studied. The highest observed frequency was 0.001% (1/112352) of European (non-Finnish) alleles. Based on insufficient or conflicting evidence, the clinical significance of this alteration remains unclear.

NM_022461.5(AZI2):c.1153A>C (p.Asn385His)

Genes: AZI2 (5-azacytidine induced 2; minus strand), CMC1 (C-X9-C motif containing 1; plus strand). Cytogenetic location: 3p24.1.
Variant type: single nucleotide variant.
Coding change: c.1153A>C on transcript NM_022461.5 (MANE Select); coding-DNA position 1153, A replaced by C.
Protein change: p.Asn385His; replaces asparagine 385 with histidine.
Molecular consequence: missense variant. On other transcripts: 3 prime UTR variant (6), non-coding transcript variant (1).
Genome position (GRCh38, 1-based): chr3:28,324,068, T>G on the plus strand (A>C on the coding strand, the complement: AZI2 is on the minus strand). VCF-style: chr3-28324068-T-G. GRCh37 (hg19) VCF-style: chr3-28365559-T-G.
Other names: c.*4439T>G (NM_001331185.2, NM_001331186.2, NM_001331187.2 and 3 more transcripts); c.817A>C, p.Asn273His (NM_001271650.2); short protein forms N273H, N385H.
Identifiers: ClinVar variation 4644827 (VCV004644827.1).